The following is an entry in ClinVar:

ClinVar aggregate classification (germline): Uncertain significance (1 of 4 stars; one submission).

Conditions:
Retinoblastoma (RB1). Also called: RETINOBLASTOMA, SOMATIC. Identifiers: Orphanet 790, MedGen C0035335, MeSH D012175, MONDO:0008380, OMIM 180200, HP:0009919. Disease mechanism: loss of function. Inheritance: Both sporadic and heritable forms are tested..

Allele frequency attached by ClinVar (database versions not stated): TOPMed below 0.00001; gnomAD 0.00001.
gnomAD v4.1: 1 of 1,612,518 alleles (0.000062%); highest among the groups gnomAD compares: Non-Finnish European, 0.000085%; no homozygotes.

Submission:

All of Us Research Program, National Institutes of Health
Classification: Uncertain significance for Retinoblastoma. Last evaluated: 2024-01-11. Review status: criteria provided, single submitter. Criteria: ACMG Guidelines, 2015. Collection method: clinical testing. Allele origin: germline. Inheritance: Autosomal dominant inheritance. Observed: 1 variant allele, 1 heterozygote.
Comment: This study involves interpretation of variants in research participants for the purpose of population health screening. Participant phenotype was not available at the time of variant classification. Additional details can be found in publication PMID: 35346344, PMCID: PMC8962531

NM_000321.3(RB1):c.1348G>T (p.Val450Phe)

Gene: RB1 (RB transcriptional corepressor 1; plus strand). Cytogenetic location: 13q14.2.
Variant type: single nucleotide variant.
Coding change: c.1348G>T on transcript NM_000321.3 (MANE Select); coding-DNA position 1348, G replaced by T.
Protein change: p.Val450Phe; replaces valine 450 with phenylalanine.
Molecular consequence: missense variant.
Genome position (GRCh38, 1-based): chr13:48,379,609, G>T. VCF-style: chr13-48379609-G-T. GRCh37 (hg19) VCF-style: chr13-48953745-G-T.
Other names: c.1348G>T, p.Val450Phe (NM_001407165.1, NM_001407166.1); short protein forms V450F.
Identifiers: ClinVar variation 3075345 (VCV003075345.1), dbSNP rs1948513969, ClinGen allele CA388162563.